The following is an entry in ClinVar:

ClinVar aggregate classification (germline): Uncertain significance. Review status: criteria provided, multiple submitters, no conflicts (2 of 4 stars). 2 submissions from 2 submitters: Uncertain significance (2). Last evaluated 2024-12-03.

Conditions:
Schuurs-Hoeijmakers syndrome. Also called: PACS1-Related Neurodevelopmental Disorder. Identifiers: Orphanet 329224, MedGen C3554343, MONDO:0014006, OMIM 615009.
Inborn genetic diseases. Identifiers: MedGen C0950123, MeSH D030342.

Allele frequency attached by ClinVar (database versions not stated): gnomAD 0.00001.
gnomAD v4.1: 2 of 1,610,338 alleles (0.00012%); highest among the groups gnomAD compares: Admixed American, 0.0017%; no homozygotes.

Submissions (2):

Labcorp Genetics (formerly Invitae), Labcorp
Classification: Uncertain significance for Schuurs-Hoeijmakers syndrome. Last evaluated: 2024-12-03. Review status: criteria provided, single submitter. Criteria: Invitae Variant Classification Sherloc (09022015). Collection method: clinical testing. Allele origin: germline.
Comment: This sequence change replaces isoleucine, which is neutral and non-polar, with asparagine, which is neutral and polar, at codon 440 of the PACS1 protein (p.Ile440Asn). This variant is present in population databases (no rsID available, gnomAD 0.1%). This variant has not been reported in the literature in individuals affected with PACS1-related conditions. ClinVar contains an entry for this variant (Variation ID: 588769). Invitae Evidence Modeling of protein sequence and biophysical properties (such as structural, functional, and spatial information, amino acid conservation, physicochemical variation, residue mobility, and thermodynamic stability) indicates that this missense variant is not expected to disrupt PACS1 protein function with a negative predictive value of 80%. In summary, the available evidence is currently insufficient to determine the role of this variant in disease. Therefore, it has been classified as a Variant of Uncertain Significance.

Ambry Genetics
Classification: Uncertain significance for Inborn genetic diseases. Last evaluated: 2017-02-10. Review status: criteria provided, single submitter. Criteria: Ambry Variant Classification Scheme 2023. Collection method: clinical testing. Allele origin: germline.
Comment: The p.I440N variant (also known as c.1319T>A), located in coding exon 11 of the PACS1 gene, results from a T to A substitution at nucleotide position 1319. The isoleucine at codon 440 is replaced by asparagine, an amino acid with dissimilar properties. This amino acid position is poorly conserved in available vertebrate species. In addition, this alteration is predicted to be tolerated by in silico analysis. Since supporting evidence is limited at this time, the clinical significance of this alteration remains unclear.

NM_018026.4(PACS1):c.1319T>A (p.Ile440Asn)

Gene: PACS1 (phosphofurin acidic cluster sorting protein 1; plus strand). Cytogenetic location: 11q13.2.
Variant type: single nucleotide variant.
Coding change: c.1319T>A on transcript NM_018026.4 (MANE Select); coding-DNA position 1319, T replaced by A.
Protein change: p.Ile440Asn; replaces isoleucine 440 with asparagine.
Molecular consequence: missense variant.
Genome position (GRCh38, 1-based): chr11:66,227,529, T>A. VCF-style: chr11-66227529-T-A. GRCh37 (hg19) VCF-style: chr11-65995000-T-A.
Other names: short protein forms I440N.
Identifiers: ClinVar variation 588769 (VCV000588769.7), dbSNP rs1186664977, ClinGen allele CA381363922.